The following is an entry in ClinVar:

ClinVar aggregate classification (germline): Conflicting classifications of pathogenicity. Review status: criteria provided, conflicting classifications (1 of 4 stars). 2 submissions from 2 submitters: Uncertain significance (1); Benign (1). Last evaluated 2023-04-08.

Conditions:
Spastic paraplegia. Identifiers: MedGen C0037772, HP:0001258.

Allele frequency attached by ClinVar (database versions not stated): gnomAD exomes below 0.00001; ExAC 0.00002; gnomAD 0.00007; TOPMed 0.00007; ESP Exome Variant Server 0.00008.
gnomAD v4.1: 14 of 1,613,724 alleles (0.00087%); highest among the groups gnomAD compares: African/African-American, 0.017%; no homozygotes.

Submissions (2):

Labcorp Genetics (formerly Invitae), Labcorp
Classification: Benign for Spastic paraplegia. Last evaluated: 2023-04-08. Review status: criteria provided, single submitter. Criteria: Invitae Variant Classification Sherloc (09022015). Collection method: clinical testing. Allele origin: germline.

Athena Diagnostics
Classification: Uncertain significance. Last evaluated: 2022-12-30. Review status: criteria provided, single submitter. Criteria: Athena Diagnostics Criteria. Collection method: clinical testing. Allele origin: unknown.
Comment: Available data are insufficient to determine the clinical significance of the variant at this time. The frequency of this variant in the general population is uninformative in assessment of its pathogenicity. Computational tools disagree on the variant's effect on normal protein function.

NM_014363.6(SACS):c.10238A>G (p.Tyr3413Cys)

Gene: SACS (sacsin molecular chaperone; minus strand). Cytogenetic location: 13q12.12.
Variant type: single nucleotide variant.
Coding change: c.10238A>G on transcript NM_014363.6 (MANE Select); coding-DNA position 10238, A replaced by G.
Protein change: p.Tyr3413Cys; replaces tyrosine 3413 with cysteine.
Molecular consequence: missense variant.
Genome position (GRCh38, 1-based): chr13:23,333,638, T>C on the plus strand (A>G on the coding strand, the complement: SACS is on the minus strand). VCF-style: chr13-23333638-T-C. GRCh37 (hg19) VCF-style: chr13-23907777-T-C.
Other names: c.9797A>G, p.Tyr3266Cys (NM_001278055.2); c.10238A>G (NM_014363.4); short protein forms Y3266C, Y3413C.
Identifiers: ClinVar variation 2147933 (VCV002147933.5), dbSNP rs371980996, ClinGen allele CA6910481.